The following is an entry in ClinVar:

NM_002900.3(RBP3):c.919A>G (p.Thr307Ala)

Gene: RBP3 (retinol binding protein 3; plus strand). Cytogenetic location: 10q11.22.
Variant type: single nucleotide variant.
Coding change: c.919A>G on transcript NM_002900.3 (MANE Select); coding-DNA position 919, A replaced by G.
Protein change: p.Thr307Ala; replaces threonine 307 with alanine.
Molecular consequence: missense variant.
Genome position (GRCh38, 1-based): chr10:47,349,403, A>G. VCF-style: chr10-47349403-A-G. GRCh37 (hg19) VCF-style: chr10-48389959-T-C.
Other names: short protein forms T307A.
Identifiers: ClinVar variation 1501256 (VCV001501256.6), dbSNP rs1049191932, ClinGen allele CA206461035.

ClinVar aggregate classification (germline): Uncertain significance. Review status: criteria provided, multiple submitters, no conflicts (2 of 4 stars). 2 submissions from 2 submitters: Uncertain significance (2). Last evaluated 2024-11-11.

Allele frequency attached by ClinVar (database versions not stated): gnomAD exomes 0.00001.

Submissions (2):

Labcorp Genetics (formerly Invitae), Labcorp
Classification: Uncertain significance. Last evaluated: 2024-11-11. Review status: criteria provided, single submitter. Criteria: Invitae Variant Classification Sherloc (09022015). Collection method: clinical testing. Allele origin: germline.
Comment: This sequence change replaces threonine, which is neutral and polar, with alanine, which is neutral and non-polar, at codon 307 of the RBP3 protein (p.Thr307Ala). This variant is not present in population databases (gnomAD no frequency). This variant has not been reported in the literature in individuals affected with RBP3-related conditions. ClinVar contains an entry for this variant (Variation ID: 1501256). Invitae Evidence Modeling of protein sequence and biophysical properties (such as structural, functional, and spatial information, amino acid conservation, physicochemical variation, residue mobility, and thermodynamic stability) indicates that this missense variant is not expected to disrupt RBP3 protein function with a negative predictive value of 80%. In summary, the available evidence is currently insufficient to determine the role of this variant in disease. Therefore, it has been classified as a Variant of Uncertain Significance.

Blueprint Genetics
Classification: Uncertain significance. Last evaluated: 2020-08-24. Review status: criteria provided, single submitter. Criteria: ACMG Guidelines, 2015. Collection method: clinical testing. Allele origin: germline.